The following is an entry in ClinVar:

NM_001711.6(BGN):c.163G>C (p.Val55Leu)

Gene: BGN (biglycan; plus strand). Cytogenetic location: Xq28.
Variant type: single nucleotide variant.
Coding change: c.163G>C on transcript NM_001711.6 (MANE Select); coding-DNA position 163, G replaced by C.
Protein change: p.Val55Leu; replaces valine 55 with leucine.
Molecular consequence: missense variant.
Genome position (GRCh38, 1-based): chrX:153,504,794, G>C. VCF-style: chrX-153504794-G-C. GRCh37 (hg19) VCF-style: chrX-152770252-G-C.
Other names: short protein forms V55L.
Identifiers: ClinVar variation 1469467 (VCV001469467.6), dbSNP rs782805520, ClinGen allele CA10547137.

ClinVar aggregate classification (germline): Uncertain significance (1 of 4 stars; one submission).

Allele frequency attached by ClinVar (database versions not stated): ExAC 0.00001.

Submission:

Labcorp Genetics (formerly Invitae), Labcorp
Classification: Uncertain significance. Last evaluated: 2024-12-10. Review status: criteria provided, single submitter. Criteria: Invitae Variant Classification Sherloc (09022015). Collection method: clinical testing. Allele origin: germline.
Comment: This sequence change replaces valine, which is neutral and non-polar, with leucine, which is neutral and non-polar, at codon 55 of the BGN protein (p.Val55Leu). This variant is present in population databases (rs782805520, gnomAD 0.008%). This variant has not been reported in the literature in individuals affected with BGN-related conditions. ClinVar contains an entry for this variant (Variation ID: 1469467). An algorithm developed to predict the effect of missense changes on protein structure and function outputs the following: PolyPhen-2: "Benign". The leucine amino acid residue is found in multiple mammalian species, which suggests that this missense change does not adversely affect protein function. In summary, the available evidence is currently insufficient to determine the role of this variant in disease. Therefore, it has been classified as a Variant of Uncertain Significance.